The following is an entry in ClinVar:

NM_004168.4(SDHA):c.1022A>G (p.Asp341Gly)

Gene: SDHA (succinate dehydrogenase complex flavoprotein subunit A; plus strand). Cytogenetic location: 5p15.33.
Variant type: single nucleotide variant.
Coding change: c.1022A>G on transcript NM_004168.4 (MANE Select); coding-DNA position 1022, A replaced by G.
Protein change: p.Asp341Gly; replaces aspartic acid 341 with glycine.
Molecular consequence: missense variant.
Genome position (GRCh38, 1-based): chr5:233,603, A>G. VCF-style: chr5-233603-A-G. GRCh37 (hg19) VCF-style: chr5-233718-A-G.
Other names: c.878A>G, p.Asp293Gly (NM_001294332.2); c.1022A>G, p.Asp341Gly (NM_001330758.2); short protein forms D341G, D293G.
Identifiers: ClinVar variation 2089474 (VCV002089474.4), dbSNP rs1579402616, ClinGen allele CA359012896.

ClinVar aggregate classification (germline): Uncertain significance (1 of 4 stars; one submission).

Conditions:
Pheochromocytoma/paraganglioma syndrome 5. Also called: Paragangliomas 5; SDHA-Related Hereditary Paraganglioma-Pheochromocytoma Syndrome. Identifiers: Orphanet 29072, MedGen C3279992, MONDO:0013602, OMIM 614165.
Mitochondrial complex II deficiency, nuclear type 1. Also called: SUCCINATE CoQ REDUCTASE DEFICIENCY. Identifiers: Orphanet 3208, MedGen C5700310, MONDO:0100294, OMIM 252011.

Submission:

Labcorp Genetics (formerly Invitae), Labcorp
Classification: Uncertain significance for Pheochromocytoma/paraganglioma syndrome 5; Mitochondrial complex II deficiency, nuclear type 1. Last evaluated: 2022-01-26. Review status: criteria provided, single submitter. Criteria: Invitae Variant Classification Sherloc (09022015). Collection method: clinical testing. Allele origin: germline.
Comment: Advanced modeling of protein sequence and biophysical properties (such as structural, functional, and spatial information, amino acid conservation, physicochemical variation, residue mobility, and thermodynamic stability) performed at Invitae indicates that this missense variant is expected to disrupt SDHA protein function. This sequence change replaces aspartic acid, which is acidic and polar, with glycine, which is neutral and non-polar, at codon 341 of the SDHA protein (p.Asp341Gly). This variant is not present in population databases (gnomAD no frequency). This variant has not been reported in the literature in individuals affected with SDHA-related conditions. Algorithms developed to predict the effect of sequence changes on RNA splicing suggest that this variant may create or strengthen a splice site. In summary, the available evidence is currently insufficient to determine the role of this variant in disease. Therefore, it has been classified as a Variant of Uncertain Significance.